The following is an entry in ClinVar:

NM_001042432.2(CLN3):c.*99C>T

Gene: CLN3 (CLN3 lysosomal/endosomal transmembrane protein, battenin; minus strand). Cytogenetic location: 16p12.1.
Variant type: single nucleotide variant.
Coding change: c.*99C>T on transcript NM_001042432.2 (MANE Select); 99 bases downstream of the stop codon, C replaced by T.
Molecular consequence: 3 prime UTR variant. On other transcripts: intron variant (1).
Genome position (GRCh38, 1-based): chr16:28,477,417, G>A on the plus strand (C>T on the coding strand, the complement: CLN3 is on the minus strand). VCF-style: chr16-28477417-G-A. GRCh37 (hg19) VCF-style: chr16-28488738-G-A.
Other names: c.*99C>T (NM_000086.2, NM_001286104.2, NM_001286105.2 and 1 more transcripts); c.*52+47C>T (NM_001286109.2).
Identifiers: ClinVar variation 318712 (VCV000318712.8), dbSNP rs113845299, ClinGen allele CA10637481.

ClinVar aggregate classification (germline): Benign/Likely benign. Review status: criteria provided, multiple submitters, no conflicts (2 of 4 stars). 2 submissions from 2 submitters: Benign (1); Likely benign (1). Last evaluated 2018-07-08.

Conditions:
Neuronal ceroid lipofuscinosis 3 (CLN3). Identifiers: Orphanet 228346, MedGen C0751383, MONDO:0008767, OMIM 204200.

Allele frequency attached by ClinVar (database versions not stated): gnomAD 0.00820 and 0.00853; TOPMed 0.00863; 1000 Genomes Project 0.01078; 1000 Genomes Project 30x 0.01249.
gnomAD v4.1: 2,815 of 1,536,116 alleles (0.18%); highest among the groups gnomAD compares: African/African-American, 2.4%; 28 homozygotes.

Submissions (2):

GeneDx
Classification: Likely benign. Last evaluated: 2018-07-08. Review status: criteria provided, single submitter. Criteria: GeneDx Variant Classification Process June 2021. Collection method: clinical testing. Allele origin: germline. Affected: yes.

Illumina Laboratory Services, Illumina
Classification: Benign for Neuronal ceroid lipofuscinosis 3. Last evaluated: 2018-01-12. Review status: criteria provided, single submitter. Criteria: ICSL Variant Classification Criteria 13 December 2019. Collection method: clinical testing. Allele origin: germline.
Comment: This variant was observed in the ICSL laboratory as part of a predisposition screen in an ostensibly healthy population. It had not been previously curated by ICSL or reported in the Human Gene Mutation Database (HGMD: prior to June 1st, 2018), and was therefore a candidate for classification through an automated scoring system. Utilizing variant allele frequency, disease prevalence and penetrance estimates, and inheritance mode, an automated score was calculated to assess if this variant is too frequent to cause the disease. Based on the score and internal cut-off values, a variant classified as benign is not then subjected to further curation. The score for this variant resulted in a classification of benign for this disease.